The following is an entry in ClinVar:

ClinVar aggregate classification (germline): Benign/Likely benign. Review status: criteria provided, multiple submitters, no conflicts (2 of 4 stars). 4 submissions from 4 submitters: Benign (1); Likely benign (3). Last evaluated 2026-01-15.

Conditions:
Retinitis pigmentosa (RP). Identifiers: Orphanet 791, MedGen C0035334, MeSH D012174, MONDO:0019200, OMIM 268000. Inheritance: Autosomal dominant, autosomal recessive and X linked inheritance.
Retinitis pigmentosa 66 (RP66). Identifiers: Orphanet 791, MedGen C3715216, MONDO:0014093, OMIM 615233.

Allele frequency attached by ClinVar (database versions not stated): gnomAD exomes 0.00091 and 0.00190; ExAC 0.00229; gnomAD 0.00698 and 0.00743; TOPMed 0.00810; ESP Exome Variant Server 0.00823; 1000 Genomes Project 30x 0.00859; 1000 Genomes Project 0.00899.
gnomAD v4.1: 2,453 of 1,612,832 alleles (0.15%); highest among the groups gnomAD compares: African/African-American, 2.5%; 34 homozygotes.

Submissions (4):

Labcorp Genetics (formerly Invitae), Labcorp
Classification: Benign. Last evaluated: 2026-01-15. Review status: criteria provided, single submitter. Criteria: Invitae Variant Classification Sherloc (09022015). Collection method: clinical testing. Allele origin: germline.

Fulgent Genetics
Classification: Likely benign for Retinitis pigmentosa; Retinitis pigmentosa 66. Last evaluated: 2022-03-31. Review status: criteria provided, single submitter. Criteria: ACMG Guidelines, 2015. Collection method: clinical testing. Allele origin: unknown.

Illumina Laboratory Services, Illumina
Classification: Likely benign for Retinitis pigmentosa. Last evaluated: 2017-04-27. Review status: criteria provided, single submitter. Criteria: ICSL Variant Classification Criteria 13 December 2019. Collection method: clinical testing. Allele origin: germline.
Comment: This variant was observed as part of a predisposition screen in an ostensibly healthy population. A literature search was performed for the gene, cDNA change, and amino acid change (where applicable). No publications were found based on this search. Allele frequency data from public databases allowed determination this variant is unlikely to cause disease. Therefore, this variant is classified as likely benign.

Breakthrough Genomics
Classification: Likely benign. Review status: criteria provided, single submitter. Criteria: ACMG Guidelines, 2015. Collection method: not provided. Allele origin: germline. Inheritance: Autosomal recessive inheritance. Affected: yes.

NM_002900.3(RBP3):c.1503C>T (p.Ala501=)

Gene: RBP3 (retinol binding protein 3; plus strand). Cytogenetic location: 10q11.22.
Variant type: single nucleotide variant.
Coding change: c.1503C>T on transcript NM_002900.3 (MANE Select); coding-DNA position 1503, C replaced by T.
Protein change: p.Ala501=; no amino-acid change (alanine 501 retained).
Molecular consequence: synonymous variant.
Genome position (GRCh38, 1-based): chr10:47,349,987, C>T. VCF-style: chr10-47349987-C-T. GRCh37 (hg19) VCF-style: chr10-48389375-G-A.
Identifiers: ClinVar variation 725981 (VCV000725981.16), dbSNP rs34700898, ClinGen allele CA5487509.